The following is an entry in ClinVar:

NC_000003.11:g.(?_87309044)_(87313682_?)del

Gene: POU1F1 (POU class 1 homeobox 1; minus strand). Cytogenetic location: 3p11.2.
Variant type: Deletion.
Identifiers: ClinVar variation 3246956 (VCV003246956.1).

ClinVar aggregate classification (germline): Pathogenic (1 of 4 stars; one submission).

Submission:

Labcorp Genetics (formerly Invitae), Labcorp
Classification: Pathogenic. Last evaluated: 2023-01-16. Review status: criteria provided, single submitter. Criteria: Invitae Variant Classification Sherloc (09022015). Collection method: clinical testing. Allele origin: unknown.
Comment: For these reasons, this variant has been classified as Pathogenic. This variant disrupts a region of the POU1F1 protein in which other variant(s) (p.Glu250Asnfs*2 ) have been determined to be pathogenic (PMID: 11297581; Invitae). This suggests that this is a clinically significant region of the protein, and that variants that disrupt it are likely to be disease-causing. This variant has not been reported in the literature in individuals affected with POU1F1-related conditions. This variant is a gross deletion of the genomic region encompassing exon(s) 3-6 of the POU1F1 gene, which includes the termination codon. This deletion extends beyond the assayed region for this gene and therefore may encompass additional genes. While this deletion is not anticipated to lead to nonsense mediated decay, it is expected to alter mRNA translation or result in a truncated protein product.

Literature cited by the submitters: PubMed 11297581.